The following is an entry in ClinVar:

ClinVar aggregate classification (germline): Uncertain significance. Review status: criteria provided, multiple submitters, no conflicts (2 of 4 stars). 2 submissions from 2 submitters: Uncertain significance (2). Last evaluated 2025-08-14.

Conditions:
Inborn genetic diseases. Identifiers: MedGen C0950123, MeSH D030342.
Charcot-Marie-Tooth disease axonal type 2P. Also called: CHARCOT-MARIE-TOOTH NEUROPATHY, TYPE 2P; Charcot-Marie-Tooth Neuropathy Type 2G; CHARCOT-MARIE-TOOTH DISEASE, AXONAL, TYPE 2G; CMT 2G. Identifiers: Orphanet 300319, Orphanet 99941, MedGen C3280797, MONDO:0013753, OMIM 614436.

Allele frequency attached by ClinVar (database versions not stated): gnomAD exomes below 0.00001; gnomAD 0.00001; TOPMed 0.00001.
gnomAD v4.1: 5 of 1,610,520 alleles (0.00031%); highest among the groups gnomAD compares: Non-Finnish European, 0.00042%; no homozygotes.

Submissions (2):

Ambry Genetics
Classification: Uncertain significance for Inborn genetic diseases. Last evaluated: 2025-08-14. Review status: criteria provided, single submitter. Criteria: Ambry Variant Classification Scheme 2023. Collection method: clinical testing. Allele origin: germline.

Labcorp Genetics (formerly Invitae), Labcorp
Classification: Uncertain significance for Charcot-Marie-Tooth disease axonal type 2P. Last evaluated: 2023-10-22. Review status: criteria provided, single submitter. Criteria: Invitae Variant Classification Sherloc (09022015). Collection method: clinical testing. Allele origin: germline.
Comment: This sequence change replaces alanine, which is neutral and non-polar, with valine, which is neutral and non-polar, at codon 184 of the LRSAM1 protein (p.Ala184Val). This variant is present in population databases (no rsID available, gnomAD 0.0009%). This variant has not been reported in the literature in individuals affected with LRSAM1-related conditions. ClinVar contains an entry for this variant (Variation ID: 1379116). Advanced modeling of protein sequence and biophysical properties (such as structural, functional, and spatial information, amino acid conservation, physicochemical variation, residue mobility, and thermodynamic stability) performed at Invitae indicates that this missense variant is not expected to disrupt LRSAM1 protein function. In summary, the available evidence is currently insufficient to determine the role of this variant in disease. Therefore, it has been classified as a Variant of Uncertain Significance.

NM_001005373.4(LRSAM1):c.551C>T (p.Ala184Val)

Gene: LRSAM1 (leucine rich repeat and sterile alpha motif containing 1; plus strand). Cytogenetic location: 9q33.3.
Variant type: single nucleotide variant.
Coding change: c.551C>T on transcript NM_001005373.4 (MANE Select); coding-DNA position 551, C replaced by T.
Protein change: p.Ala184Val; replaces alanine 184 with valine.
Molecular consequence: missense variant. On other transcripts: 5 prime UTR variant (1), non-coding transcript variant (2).
Genome position (GRCh38, 1-based): chr9:127,467,762, C>T. VCF-style: chr9-127467762-C-T. GRCh37 (hg19) VCF-style: chr9-130230041-C-T.
Other names: c.551C>T, p.Ala184Val (NM_001005374.4, NM_001190723.3, NM_001384142.1 and 2 more transcripts); c.-234C>T (NM_001384144.1); c.551C>T (NM_138361.4); short protein forms A184V.
Identifiers: ClinVar variation 1379116 (VCV001379116.9), dbSNP rs947752458, ClinGen allele CA199847417.